The following is an entry in ClinVar:

ClinVar aggregate classification (germline): Uncertain significance (1 of 4 stars; one submission).

Submission:

Ambry Genetics
Classification: Uncertain significance. Last evaluated: 2025-07-15. Review status: criteria provided, single submitter. Criteria: Ambry Variant Classification Scheme 2023. Collection method: clinical testing. Allele origin: germline.
Comment: The p.L258M variant (also known as c.772C>A), located in coding exon 6 of the GEN1 gene, results from a C to A substitution at nucleotide position 772. The leucine at codon 258 is replaced by methionine, an amino acid with highly similar properties. This amino acid position is conserved. In addition, this alteration is predicted to be tolerated by in silico analysis. Based on the available evidence, the clinical significance of this variant remains unclear.

NM_001130009.3(GEN1):c.772C>A (p.Leu258Met)

Gene: GEN1 (GEN1 Holliday junction 5' flap endonuclease; plus strand). Cytogenetic location: 2p24.2.
Variant type: single nucleotide variant.
Coding change: c.772C>A on transcript NM_001130009.3 (MANE Select); coding-DNA position 772, C replaced by A.
Protein change: p.Leu258Met; replaces leucine 258 with methionine.
Molecular consequence: missense variant.
Genome position (GRCh38, 1-based): chr2:17,771,257, C>A. VCF-style: chr2-17771257-C-A. GRCh37 (hg19) VCF-style: chr2-17952524-C-A.
Other names: c.772C>A, p.Leu258Met (NM_182625.5); short protein forms L258M.
Identifiers: ClinVar variation 4263033 (VCV004263033.1).